The following is an entry in ClinVar:

ClinVar aggregate classification (germline): Uncertain significance (1 of 4 stars; one submission).

Conditions:
Hereditary cancer-predisposing syndrome. Also called: Neoplastic Syndromes, Hereditary; Tumor predisposition; Hereditary neoplastic syndrome; Hereditary Cancer Syndrome. Identifiers: Orphanet 140162, MedGen C0027672, MeSH D009386, MONDO:0015356.

Submission:

Ambry Genetics
Classification: Uncertain significance for Hereditary cancer-predisposing syndrome. Last evaluated: 2026-06-26. Review status: criteria provided, single submitter. Criteria: Ambry Variant Classification Scheme 2023. Collection method: clinical testing. Allele origin: germline.
Comment: The p.E464V variant (also known as c.1391A>T), located in coding exon 9 of the FLCN gene, results from an A to T substitution at nucleotide position 1391. The glutamic acid at codon 464 is replaced by valine, an amino acid with dissimilar properties. This amino acid position is highly conserved in available vertebrate species. In addition, this alteration is predicted to be deleterious by in silico analysis. Based on the available evidence, the clinical significance of this variant remains unclear.

NM_144997.7(FLCN):c.1391A>T (p.Glu464Val)

Gene: FLCN (folliculin; minus strand). Cytogenetic location: 17p11.2.
Variant type: single nucleotide variant.
Coding change: c.1391A>T on transcript NM_144997.7 (MANE Select); coding-DNA position 1391, A replaced by T.
Protein change: p.Glu464Val; replaces glutamic acid 464 with valine.
Molecular consequence: missense variant.
Genome position (GRCh38, 1-based): chr17:17,215,226, T>A on the plus strand (A>T on the coding strand, the complement: FLCN is on the minus strand). VCF-style: chr17-17215226-T-A. GRCh37 (hg19) VCF-style: chr17-17118540-T-A.
Other names: c.1445A>T, p.Glu482Val (NM_001353229.2); c.1391A>T, p.Glu464Val (NM_001353230.2, NM_001353231.2); short protein forms E464V, E482V.
Identifiers: ClinVar variation 5021818 (VCV005021818.1).